The following is an entry in ClinVar:

ClinVar aggregate classification (germline): Pathogenic/Likely pathogenic. Review status: criteria provided, multiple submitters, no conflicts (2 of 4 stars). 2 submissions from 2 submitters: Pathogenic (1); Likely pathogenic (1). Last evaluated 2024-05-03.

Conditions:
Cranioectodermal dysplasia 1 (CED1). Also called: LEVIN SYNDROME I. Identifiers: Orphanet 1515, MedGen C0432235, MONDO:0021093, OMIM 218330.

Allele frequency attached by ClinVar (database versions not stated): gnomAD exomes 0.00001; gnomAD 0.00002; TOPMed 0.00002.
gnomAD v4.1: 12 of 1,613,562 alleles (0.00074%); highest among the groups gnomAD compares: East Asian, 0.0022%; no homozygotes.

Submissions (2):

GeneDx
Classification: Likely pathogenic. Last evaluated: 2024-05-03. Review status: criteria provided, single submitter. Criteria: GeneDx Variant Classification Process June 2021. Collection method: clinical testing. Allele origin: germline. Affected: yes.
Comment: Nonsense variant predicted to result in protein truncation or nonsense mediated decay in a gene for which loss of function is a known mechanism of disease; Not observed at significant frequency in large population cohorts (gnomAD); Has not been previously published as pathogenic or benign to our knowledge

Labcorp Genetics (formerly Invitae), Labcorp
Classification: Pathogenic for Cranioectodermal dysplasia 1. Last evaluated: 2022-07-30. Review status: criteria provided, single submitter. Criteria: Invitae Variant Classification Sherloc (09022015). Collection method: clinical testing. Allele origin: germline.
Comment: For these reasons, this variant has been classified as Pathogenic. This variant has not been reported in the literature in individuals affected with IFT122-related conditions. The frequency data for this variant in the population databases is considered unreliable, as metrics indicate poor data quality at this position in the gnomAD database. This sequence change creates a premature translational stop signal (p.Arg1236*) in the IFT122 gene. It is expected to result in an absent or disrupted protein product. Loss-of-function variants in IFT122 are known to be pathogenic (PMID: 20493458, 23826986, 26792575).

Literature cited by the submitters: PubMed 20493458 (cited by Labcorp Genetics (formerly Invitae), Labcorp); PubMed 23826986 (cited by Labcorp Genetics (formerly Invitae), Labcorp); PubMed 26792575 (cited by Labcorp Genetics (formerly Invitae), Labcorp).

NM_052989.3(IFT122):c.3553C>T (p.Arg1185Ter)

Gene: IFT122 (intraflagellar transport 122; plus strand). Cytogenetic location: 3q22.1.
Variant type: single nucleotide variant.
Coding change: c.3553C>T on transcript NM_052989.3 (MANE Select); coding-DNA position 3553, C replaced by T.
Protein change: p.Arg1185Ter; replaces arginine 1185 with a stop codon.
Molecular consequence: nonsense.
Genome position (GRCh38, 1-based): chr3:129,519,649, C>T. VCF-style: chr3-129519649-C-T. GRCh37 (hg19) VCF-style: chr3-129238492-C-T.
Other names: c.3706C>T (NM_052985.3); c.3532C>T, p.Arg1178Ter (NM_001280541.2); c.3706C>T, p.Arg1236Ter (NM_052985.4); c.3223C>T, p.Arg1075Ter (NM_052990.3); c.3103C>T, p.Arg1035Ter (NM_001280545.2); c.2926C>T, p.Arg976Ter (NM_001280546.2); c.3556C>T, p.Arg1186Ter (NM_001410808.1); c.3499C>T, p.Arg1167Ter (NM_001410809.1); and 6 more; short protein forms R1035*, R1057*, R1126*, R1167*, R1185*, R1074*, R1236*, R1075*.
Identifiers: ClinVar variation 2073588 (VCV002073588.5), dbSNP rs905675504, ClinGen allele CA82640168.